The following is an entry in ClinVar:

NM_024721.5(ZFHX4):c.2488G>C (p.Gly830Arg)

Gene: ZFHX4 (zinc finger homeobox 4; plus strand). Cytogenetic location: 8q21.13.
Variant type: single nucleotide variant.
Coding change: c.2488G>C on transcript NM_024721.5 (MANE Select); coding-DNA position 2488, G replaced by C.
Protein change: p.Gly830Arg; replaces glycine 830 with arginine.
Molecular consequence: missense variant.
Genome position (GRCh38, 1-based): chr8:76,706,576, G>C. VCF-style: chr8-76706576-G-C. GRCh37 (hg19) VCF-style: chr8-77618811-G-C.
Other names: c.2488G>C, p.Gly830Arg (NM_001410934.1); short protein forms G830R.
Identifiers: ClinVar variation 2396140 (VCV002396140.4), dbSNP rs374480311, ClinGen allele CA4787012.
Genomic context (GRCh38, chr8:76,706,576, plus strand): 5'-CACTTGGGCCTCGCCCCGGCGGAAGCAGAGCTTTATCAGTACTACCTAGCCCAGAACATA[G>C]GCCTGACCGGAATGAAGCTGGAAAACCCTGCCGACCCTCAGCTGATGATCAATCCATTCC-3'
Protein context (NP_078997.4, residues 820-840): LYQYYLAQNI[Gly830Arg]LTGMKLENPA

ClinVar aggregate classification (germline): Conflicting classifications of pathogenicity. Review status: criteria provided, conflicting classifications (1 of 4 stars). 3 submissions from 3 submitters: Uncertain significance (2); Likely benign (1). Last evaluated 2024-11-06.

Conditions:
Ptosis, hereditary congenital, 1. Identifiers: Orphanet 91411, MedGen C1867438, MONDO:0979905, OMIM 178300.

Allele frequency attached by ClinVar (database versions not stated): gnomAD 0.00003; ExAC 0.00004; TOPMed 0.00005; gnomAD exomes 0.00006; ESP Exome Variant Server 0.00008.
gnomAD v4.1: 90 of 1,611,252 alleles (0.0056%); highest among the groups gnomAD compares: Middle Eastern, 0.066%; no homozygotes.

Submissions (3):

Blueprint Genetics
Classification: Likely benign. Last evaluated: 2024-11-06. Review status: criteria provided, single submitter. Criteria: ACMG Guidelines, 2015. Collection method: clinical testing. Allele origin: germline.

Clinical Genomics Laboratory, Washington University in St. Louis
Classification: Uncertain significance for Ptosis, hereditary congenital, 1. Last evaluated: 2024-05-16. Review status: criteria provided, single submitter. Criteria: ACMG Guidelines, 2015. Collection method: clinical testing. Allele origin: germline.
Comment: The ZFHX4 c.2488G>C (p.Gly830Arg) variant, to our knowledge, has not been reported in the medical literature. This variant is only observed on 8/239,126 alleles in the general population (gnomAD v.2.1.1), indicating it is not a common variant. Computational predictors are uncertain as to the impact of this variant on ZFHX4 function. Due to limited information, the clinical significance of this variant is uncertain.

Ambry Genetics
Classification: Uncertain significance. Last evaluated: 2021-10-12. Review status: criteria provided, single submitter. Criteria: Ambry Variant Classification Scheme 2023. Collection method: clinical testing. Allele origin: germline.